The following is an entry in ClinVar:

ClinVar aggregate classification (germline): Uncertain significance (1 of 4 stars; one submission).

Conditions:
Progressive myoclonic epilepsy type 5. Identifiers: Orphanet 402082, MedGen C5190799.

gnomAD v4.1: 2 of 1,614,212 alleles (0.00012%); highest among the groups gnomAD compares: Non-Finnish European, 0.00017%; no homozygotes.

Submission:

Labcorp Genetics (formerly Invitae), Labcorp
Classification: Uncertain significance for Progressive myoclonic epilepsy type 5. Last evaluated: 2024-02-02. Review status: criteria provided, single submitter. Criteria: Invitae Variant Classification Sherloc (09022015). Collection method: clinical testing. Allele origin: germline.
Comment: This sequence change replaces glycine, which is neutral and non-polar, with aspartic acid, which is acidic and polar, at codon 826 of the PRICKLE2 protein (p.Gly826Asp). This variant is not present in population databases (gnomAD no frequency). This variant has not been reported in the literature in individuals affected with PRICKLE2-related conditions. Advanced modeling of protein sequence and biophysical properties (such as structural, functional, and spatial information, amino acid conservation, physicochemical variation, residue mobility, and thermodynamic stability) performed at Invitae indicates that this missense variant is not expected to disrupt PRICKLE2 protein function with a negative predictive value of 80%. In summary, the available evidence is currently insufficient to determine the role of this variant in disease. Therefore, it has been classified as a Variant of Uncertain Significance.

NM_198859.4(PRICKLE2):c.2477G>A (p.Gly826Asp)

Genes: PRICKLE2 (prickle planar cell polarity protein 2; minus strand), PRICKLE2-AS1 (PRICKLE2 antisense RNA 1; plus strand). Cytogenetic location: 3p14.1.
Variant type: single nucleotide variant.
Coding change: c.2477G>A on transcript NM_198859.4 (MANE Select); coding-DNA position 2477, G replaced by A.
Protein change: p.Gly826Asp; replaces glycine 826 with aspartic acid.
Molecular consequence: missense variant. On other transcripts: non-coding transcript variant (1).
Genome position (GRCh38, 1-based): chr3:64,099,109, C>T on the plus strand (G>A on the coding strand, the complement: PRICKLE2 is on the minus strand). VCF-style: chr3-64099109-C-T. GRCh37 (hg19) VCF-style: chr3-64084785-C-T.
Other names: c.2477G>A, p.Gly826Asp (NM_001370528.1); short protein forms G826D.
Identifiers: ClinVar variation 3692602 (VCV003692602.2).
Genomic context (GRCh38, chr3:64,099,109, plus strand): 5'-TATTAAGAAATGATACAGTTTTTGCTCTTCTGTCTTTTCCTGCTGTGCAACTGTCCTCTG[C>T]CACCTAATGTGGAAGATTTGGGGAGGCCGTAGGAGCTGTATTTGTGCAGCAGCTCATCGC-3'
Protein context (NP_942559.1, residues 816-836): YGLPKSSTLG[Gly826Asp]RGQLHSRKRQ